The following is an entry in ClinVar:

NC_000002.11:g.(?_86067267)_(87017948_?)del

Genes: KDM3A (lysine demethylase 3A; plus strand), CD8A (CD8 subunit alpha; minus strand), CHMP3 (charged multivesicular body protein 3; minus strand), IMMT (inner membrane mitochondrial protein; minus strand), MRPL35 (mitochondrial ribosomal protein L35; plus strand) and 7 more. Cytogenetic location: 2p11.2.
Variant type: Deletion.
Identifiers: ClinVar variation 1410487 (VCV001410487.4).

ClinVar aggregate classification (germline): Uncertain significance (1 of 4 stars; one submission).

Conditions:
Susceptibility to respiratory infections associated with CD8alpha chain mutation (IMD116). Also called: Cd8 deficiency, familial; IMMUNODEFICIENCY 116. Identifiers: Orphanet 169085, MedGen C1837065, MONDO:0012161, OMIM 608957.

Submission:

Labcorp Genetics (formerly Invitae), Labcorp
Classification: Uncertain significance for Susceptibility to respiratory infections associated with CD8alpha chain mutation. Last evaluated: 2022-06-20. Review status: criteria provided, single submitter. Criteria: Invitae Variant Classification Sherloc (09022015). Collection method: clinical testing. Allele origin: germline.
Comment: A gross deletion of the genomic region encompassing the full coding sequence of the CD8A gene has been identified. The current clinical and genetic evidence is not sufficient to establish whether loss-of-function variants in CD8A cause disease. The boundaries of this event are unknown as they extend beyond the assayed region for this gene and therefore may encompass additional genes. This variant has not been reported in the literature in individuals affected with CD8A-related conditions. In summary, the available evidence is currently insufficient to determine the role of this variant in disease. Therefore, it has been classified as a Variant of Uncertain Significance.